The following is an entry in ClinVar:

ClinVar aggregate classification (germline): Uncertain significance (0 of 4 stars; one submission).

Conditions:
PLXNA4-related disorder. Also called: PLXNA4-related condition.

gnomAD v4.1: 62 of 1,614,066 alleles (0.0038%); highest among the groups gnomAD compares: Non-Finnish European, 0.0047%; no homozygotes.

Submission:

PreventionGenetics, part of Exact Sciences
Classification: Uncertain significance for PLXNA4-related condition. Last evaluated: 2024-07-01. Review status: no assertion criteria provided. Collection method: clinical testing. Allele origin: germline.
Comment: The PLXNA4 c.4991A>G variant is predicted to result in the amino acid substitution p.Lys1664Arg. To our knowledge, this variant has not been reported in the literature. This variant is reported in 0.0047% of alleles in individuals of European (Non-Finnish) descent in gnomAD. At this time, the clinical significance of this variant is uncertain due to the absence of conclusive functional and genetic evidence.

NM_020911.2(PLXNA4):c.4991A>G (p.Lys1664Arg)

Gene: PLXNA4 (plexin A4; minus strand). Cytogenetic location: 7q32.3.
Variant type: single nucleotide variant.
Coding change: c.4991A>G on transcript NM_020911.2 (MANE Select); coding-DNA position 4991, A replaced by G.
Protein change: p.Lys1664Arg; replaces lysine 1664 with arginine.
Molecular consequence: missense variant.
Genome position (GRCh38, 1-based): chr7:132,146,574, T>C on the plus strand (A>G on the coding strand, the complement: PLXNA4 is on the minus strand). VCF-style: chr7-132146574-T-C. GRCh37 (hg19) VCF-style: chr7-131831333-T-C.
Other names: c.4991A>G, p.Lys1664Arg (NM_001393897.1); short protein forms K1664R.
Identifiers: ClinVar variation 3350811 (VCV003350811.1).